The following is an entry in ClinVar:

ClinVar aggregate classification (germline): Uncertain significance. Review status: criteria provided, multiple submitters, no conflicts (2 of 4 stars). 2 submissions from 2 submitters: Uncertain significance (2). Last evaluated 2025-10-21.

Conditions:
Inborn genetic diseases. Identifiers: MedGen C0950123, MeSH D030342.
Developmental and epileptic encephalopathy, 39 (DEE39). Also called: DEVELOPMENTAL AND EPILEPTIC ENCEPHALOPATHY 39 WITH LEUKODYSTROPHY. Identifiers: Orphanet 353217, MedGen C2751855, MONDO:0013056, OMIM 612949.

Allele frequency attached by ClinVar (database versions not stated): gnomAD 0.00001; ExAC 0.00002; gnomAD exomes 0.00002; TOPMed 0.00003; ESP Exome Variant Server 0.00015.
gnomAD v4.1: 30 of 1,613,242 alleles (0.0019%); highest among the groups gnomAD compares: East Asian, 0.0045%; no homozygotes.

Submissions (2):

Ambry Genetics
Classification: Uncertain significance for Inborn genetic diseases. Last evaluated: 2025-10-21. Review status: criteria provided, single submitter. Criteria: Ambry Variant Classification Scheme 2023. Collection method: clinical testing. Allele origin: germline.

Labcorp Genetics (formerly Invitae), Labcorp
Classification: Uncertain significance. Last evaluated: 2022-09-13. Review status: criteria provided, single submitter. Criteria: Invitae Variant Classification Sherloc (09022015). Collection method: clinical testing. Allele origin: germline.
Comment: This sequence change replaces arginine, which is basic and polar, with histidine, which is basic and polar, at codon 42 of the SLC25A12 protein (p.Arg42His). This variant is present in population databases (rs143779282, gnomAD 0.007%). This variant has not been reported in the literature in individuals affected with SLC25A12-related conditions. ClinVar contains an entry for this variant (Variation ID: 585055). Advanced modeling of protein sequence and biophysical properties (such as structural, functional, and spatial information, amino acid conservation, physicochemical variation, residue mobility, and thermodynamic stability) performed at Invitae indicates that this missense variant is not expected to disrupt SLC25A12 protein function. In summary, the available evidence is currently insufficient to determine the role of this variant in disease. Therefore, it has been classified as a Variant of Uncertain Significance.

NM_003705.5(SLC25A12):c.125G>A (p.Arg42His)

Gene: SLC25A12 (solute carrier family 25 member 12; minus strand). Cytogenetic location: 2q31.1.
Variant type: single nucleotide variant.
Coding change: c.125G>A on transcript NM_003705.5 (MANE Select); coding-DNA position 125, G replaced by A.
Protein change: p.Arg42His; replaces arginine 42 with histidine.
Molecular consequence: missense variant. On other transcripts: non-coding transcript variant (1).
Genome position (GRCh38, 1-based): chr2:171,868,765, C>T on the plus strand (G>A on the coding strand, the complement: SLC25A12 is on the minus strand). VCF-style: chr2-171868765-C-T. GRCh37 (hg19) VCF-style: chr2-172725275-C-T.
Other names: c.125G>A (NM_003705.3); short protein forms R42H.
Identifiers: ClinVar variation 585055 (VCV000585055.5), dbSNP rs143779282, ClinGen allele CA1966469.